The following is an entry in ClinVar:

NM_000443.4(ABCB4):c.2261T>C (p.Phe754Ser)

Gene: ABCB4 (ATP binding cassette subfamily B member 4; minus strand). Cytogenetic location: 7q21.12.
Variant type: single nucleotide variant.
Coding change: c.2261T>C on transcript NM_000443.4 (MANE Select); coding-DNA position 2261, T replaced by C.
Protein change: p.Phe754Ser; replaces phenylalanine 754 with serine.
Molecular consequence: missense variant.
Genome position (GRCh38, 1-based): chr7:87,422,176, A>G on the plus strand (T>C on the coding strand, the complement: ABCB4 is on the minus strand). VCF-style: chr7-87422176-A-G. GRCh37 (hg19) VCF-style: chr7-87051492-A-G.
Other names: c.2261T>C, p.Phe754Ser (NM_018849.3, NM_018850.3); short protein forms F754S.
Identifiers: ClinVar variation 4846452 (VCV004846452.1).
Genomic context (GRCh38, chr7:87,422,176, plus strand): 5'-CCTACCTGAAGGAAGAAAGTAAAAAAAGAAATAATTCCCAGAAATAAGAAAATCAAAGAG[A>G]ATATGTTGCACTTCTGCTGCTTCACTGCATCATCGCCTGGTCCAAAAATCTACAAAAGAA-3'
Protein context (NP_000434.1, residues 744-764): DAVKQQKCNI[Phe754Ser]SLIFLFLGII

ClinVar aggregate classification (germline): Uncertain significance (1 of 4 stars; one submission).

Conditions:
Low phospholipid associated cholelithiasis (GBD1). Also called: Gallbladder disease 1; Gallstone cholecystitis. Identifiers: Orphanet 69663, MedGen C2609268, MONDO:0010939, OMIM 600803.

Submission:

Genomenon, Inc
Classification: Uncertain significance for Low phospholipid associated cholelithiasis. Last evaluated: 2026-04-14. Review status: criteria provided, single submitter. Criteria: Genomenon Sequence Variant Interpretation Standards - Updated. Collection method: curation. Allele origin: germline. Affected: yes.
Comment: ABCB4 p.Phe754Ser (c.2261T>C) is a missense variant that changes the amino acid at residue 754 from Phenylalanine to Serine. This variant has been observed in at least one proband with an ABCB4-related disorder (PMID:31538484). It is absent or not present at a significant frequency in gnomAD. In conclusion, we classify ABCB4 p.Phe754Ser (c.2261T>C) as a variant of uncertain significance.

Literature cited by the submitters: PubMed 31538484.